The following is an entry in ClinVar:

ClinVar aggregate classification (germline): Uncertain significance. Review status: criteria provided, multiple submitters, no conflicts (2 of 4 stars). 3 submissions from 3 submitters: Uncertain significance (3). Last evaluated 2024-11-02.

Conditions:
Hereditary cancer-predisposing syndrome. Also called: Hereditary neoplastic syndrome; Neoplastic Syndromes, Hereditary; Tumor predisposition; Hereditary Cancer Syndrome. Identifiers: Orphanet 140162, MedGen C0027672, MeSH D009386, MONDO:0015356.
Microcephaly, normal intelligence and immunodeficiency (NBS). Also called: IMMUNODEFICIENCY, MICROCEPHALY, AND CHROMOSOMAL INSTABILITY; SEEMANOVA SYNDROME II; Nijmegen breakage syndrome; Microcephaly with normal intelligence immunodeficiency and lymphoreticular malignancies; Nonsyndromal microcephaly autosomal recessive with normal intelligence; Seemanova syndrome 2. Identifiers: Orphanet 647, MedGen C0398791, MONDO:0009623, OMIM 251260.

Submissions (3):

Ambry Genetics
Classification: Uncertain significance for Hereditary cancer-predisposing syndrome. Last evaluated: 2024-11-02. Review status: criteria provided, single submitter. Criteria: Ambry Variant Classification Scheme 2023. Collection method: clinical testing. Allele origin: germline.
Comment: The p.F102L variant (also known as c.304T>C), located in coding exon 3 of the NBN gene, results from a T to C substitution at nucleotide position 304. The phenylalanine at codon 102 is replaced by leucine, an amino acid with highly similar properties. This amino acid position is highly conserved in available vertebrate species. In addition, the in silico prediction for this alteration is inconclusive. Since supporting evidence is limited at this time, the clinical significance of this alteration remains unclear.

Genome-Nilou Lab
Classification: Uncertain significance for Microcephaly, normal intelligence and immunodeficiency. Last evaluated: 2021-11-07. Review status: criteria provided, single submitter. Criteria: ACMG Guidelines, 2015. Collection method: clinical testing. Allele origin: germline. Affected: no.

Women's Health and Genetics/Laboratory Corporation of America, LabCorp
Classification: Uncertain significance. Last evaluated: 2019-07-15. Review status: criteria provided, single submitter. Criteria: LabCorp Variant Classification Summary - May 2015. Collection method: clinical testing. Allele origin: germline.
Comment: Variant summary: NBN c.304T>C (p.Phe102Leu) results in a non-conservative amino acid change located in the Forkhead-associated (FHA) domain of the encoded protein sequence. Five of five in-silico tools predict a damaging effect of the variant on protein function. The variant was absent in 251300 control chromosomes. The available data on variant occurrences in the general population are insufficient to allow any conclusion about variant significance. To our knowledge, no occurrence of c.304T>C in individuals affected with Nijmegen Breakage Syndrome and no experimental evidence demonstrating its impact on protein function have been reported. One clinical diagnostic laboratory has submitted clinical-significance assessments for this variant to ClinVar after 2014 without evidence for independent evaluation. One laboratory classified the variant as uncertain significance. Based on the evidence outlined above, the variant was classified as uncertain significance.

NM_002485.5(NBN):c.304T>C (p.Phe102Leu)

Gene: NBN (nibrin; minus strand). Cytogenetic location: 8q21.3.
Variant type: single nucleotide variant.
Coding change: c.304T>C on transcript NM_002485.5 (MANE Select); coding-DNA position 304, T replaced by C.
Protein change: p.Phe102Leu; replaces phenylalanine 102 with leucine.
Molecular consequence: missense variant.
Genome position (GRCh38, 1-based): chr8:89,981,391, A>G on the plus strand (T>C on the coding strand, the complement: NBN is on the minus strand). VCF-style: chr8-89981391-A-G. GRCh37 (hg19) VCF-style: chr8-90993619-A-G.
Other names: c.58T>C, p.Phe20Leu (NM_001024688.3); short protein forms F102L, F20L.
Identifiers: ClinVar variation 483950 (VCV000483950.9), dbSNP rs1554568285, ClinGen allele CA371662321.